The following is an entry in ClinVar:

ClinVar aggregate classification (germline): Uncertain significance. Review status: criteria provided, multiple submitters, no conflicts (2 of 4 stars). 3 submissions from 3 submitters: Uncertain significance (3). Last evaluated 2024-12-03.

Conditions:
Inborn genetic diseases. Identifiers: MedGen C0950123, MeSH D030342.
Acrocallosal syndrome (ACLS). Also called: HALLUX DUPLICATION, POSTAXIAL POLYDACTYLY, AND ABSENCE OF CORPUS CALLOSUM; Schinzel syndrome 1; Absence of corpus callosum with unusual facial appearance, mental deficiency, duplication of the halluces and polydactyly. Identifiers: Orphanet 36, MedGen C0796147, MONDO:0008708, OMIM 200990.
Hydrolethalus syndrome 2 (HLS2). Identifiers: Orphanet 2189, MedGen C3279899, MONDO:0013585, OMIM 614120.
Multiple epiphyseal dysplasia, Al-Gazali type. Also called: Macrocephaly with multiple epiphyseal dysplasia and distinctive facies. Identifiers: Orphanet 166024, MedGen C1846722, MONDO:0011778, OMIM 607131.

Allele frequency attached by ClinVar (database versions not stated): gnomAD exomes below 0.00001 and 0.00001; gnomAD 0.00001; ExAC 0.00005; 1000 Genomes Project 30x 0.00016; 1000 Genomes Project 0.00020.
gnomAD v4.1: 4 of 1,558,944 alleles (0.00026%); highest among the groups gnomAD compares: South Asian, 0.0035%; no homozygotes.

Submissions (3):

Ambry Genetics
Classification: Uncertain significance for Inborn genetic diseases. Last evaluated: 2024-12-03. Review status: criteria provided, single submitter. Criteria: Ambry Variant Classification Scheme 2023. Collection method: clinical testing. Allele origin: germline.

Fulgent Genetics
Classification: Uncertain significance for Acrocallosal syndrome; Multiple epiphyseal dysplasia, Al-Gazali type; Hydrolethalus syndrome 2. Last evaluated: 2024-01-16. Review status: criteria provided, single submitter. Criteria: ACMG Guidelines, 2015. Collection method: clinical testing. Allele origin: germline.

Labcorp Genetics (formerly Invitae), Labcorp
Classification: Uncertain significance for Acrocallosal syndrome. Last evaluated: 2022-06-13. Review status: criteria provided, single submitter. Criteria: Invitae Variant Classification Sherloc (09022015). Collection method: clinical testing. Allele origin: germline.
Comment: This sequence change replaces glutamic acid, which is acidic and polar, with lysine, which is basic and polar, at codon 979 of the KIF7 protein (p.Glu979Lys). The frequency data for this variant in the population databases is considered unreliable, as metrics indicate poor data quality at this position in the gnomAD database. This variant has not been reported in the literature in individuals affected with KIF7-related conditions. Algorithms developed to predict the effect of missense changes on protein structure and function (SIFT, PolyPhen-2, Align-GVGD) all suggest that this variant is likely to be disruptive. In summary, the available evidence is currently insufficient to determine the role of this variant in disease. Therefore, it has been classified as a Variant of Uncertain Significance.

NM_198525.3(KIF7):c.2935G>A (p.Glu979Lys)

Gene: KIF7 (kinesin family member 7; minus strand). Cytogenetic location: 15q26.1.
Variant type: single nucleotide variant.
Coding change: c.2935G>A on transcript NM_198525.3 (MANE Select); coding-DNA position 2935, G replaced by A.
Protein change: p.Glu979Lys; replaces glutamic acid 979 with lysine.
Molecular consequence: missense variant.
Genome position (GRCh38, 1-based): chr15:89,631,671, C>T on the plus strand (G>A on the coding strand, the complement: KIF7 is on the minus strand). VCF-style: chr15-89631671-C-T. GRCh37 (hg19) VCF-style: chr15-90174902-C-T.
Other names: c.2935G>A (NM_198525.2); short protein forms E979K.
Identifiers: ClinVar variation 1508133 (VCV001508133.5), dbSNP rs558313041, ClinGen allele CA7727876.
Genomic context (GRCh38, chr15:89,631,671, plus strand): 5'-TCTGGGCGCTGCCCTGCCGCAGCTGCCCGCTCTTCTCGGACAGCTCCTTCTCCAGGTGCT[C>T]CAGCCGGCTGGACACTCGCACGATGTCCTCGTTGAGGGCCTGGGGGCAGAATCACCAGGG-3'
Protein context (NP_940927.2, residues 969-989): EDIVRVSSRL[Glu979Lys]HLEKELSEKS